The following is an entry in ClinVar:

ClinVar aggregate classification (germline): Likely pathogenic (1 of 4 stars; one submission).

Conditions:
Mitochondrial complex I deficiency, nuclear type 4. Also called: Mitochondrial complex 1 deficiency, nuclear type 4. Identifiers: MedGen C4748753, MONDO:0032609, OMIM 618225.

Submission:

Juno Genomics, Hangzhou Juno Genomics, Inc
Classification: Likely pathogenic for Mitochondrial complex I deficiency, nuclear type 4. Review status: criteria provided, single submitter. Criteria: ACMG Guidelines, 2015. Collection method: clinical testing. Allele origin: germline.
Comment: Absent from controls (or at extremely low frequency if recessive) in Genome Aggregation Database.;Multiple lines of computational evidence support a deleterious effect on the gene or gene product.;For recessive disorders, detected in trans with a pathogenic variant.;Patient's phenotype or family history is highly specific for a disease with a single genetic etiology.

NM_007103.4(NDUFV1):c.257G>T (p.Arg86Met)

Gene: NDUFV1 (NADH:ubiquinone oxidoreductase core subunit V1; plus strand). Cytogenetic location: 11q13.2.
Variant type: single nucleotide variant.
Coding change: c.257G>T on transcript NM_007103.4 (MANE Select); coding-DNA position 257, G replaced by T.
Protein change: p.Arg86Met; replaces arginine 86 with methionine.
Molecular consequence: missense variant.
Genome position (GRCh38, 1-based): chr11:67,608,653, G>T. VCF-style: chr11-67608653-G-T. GRCh37 (hg19) VCF-style: chr11-67376124-G-T.
Other names: c.230G>T, p.Arg77Met (NM_001166102.2); short protein forms R77M, R86M.
Identifiers: ClinVar variation 5004963 (VCV005004963.2).